The following is an entry in ClinVar:

ClinVar aggregate classification (germline): Uncertain significance. Review status: criteria provided, multiple submitters, no conflicts (2 of 4 stars). 2 submissions from 2 submitters: Uncertain significance (2). Last evaluated 2024-11-18.

Conditions:
Inborn genetic diseases. Identifiers: MedGen C0950123, MeSH D030342.

gnomAD v4.1: 6 of 1,609,634 alleles (0.00037%); highest among the groups gnomAD compares: Admixed American, 0.01%; 1 homozygote.

Submissions (2):

Ambry Genetics
Classification: Uncertain significance for Inborn genetic diseases. Last evaluated: 2024-11-18. Review status: criteria provided, single submitter. Criteria: Ambry Variant Classification Scheme 2023. Collection method: clinical testing. Allele origin: germline.

Labcorp Genetics (formerly Invitae), Labcorp
Classification: Uncertain significance. Last evaluated: 2024-01-22. Review status: criteria provided, single submitter. Criteria: Invitae Variant Classification Sherloc (09022015). Collection method: clinical testing. Allele origin: germline.
Comment: This sequence change replaces arginine, which is basic and polar, with proline, which is neutral and non-polar, at codon 2397 of the DMXL2 protein (p.Arg2397Pro). This variant is present in population databases (rs202019976, gnomAD 0.02%), including at least one homozygous and/or hemizygous individual. This variant has not been reported in the literature in individuals affected with DMXL2-related conditions. ClinVar contains an entry for this variant (Variation ID: 2176919). An algorithm developed to predict the effect of missense changes on protein structure and function (PolyPhen-2) suggests that this variant¬†is likely to be tolerated. In summary, the available evidence is currently insufficient to determine the role of this variant in disease. Therefore, it has been classified as a Variant of Uncertain Significance.

NM_001378457.1(DMXL2):c.7190G>C (p.Arg2397Pro)

Gene: DMXL2 (Dmx like 2; minus strand). Cytogenetic location: 15q21.2.
Variant type: single nucleotide variant.
Coding change: c.7190G>C on transcript NM_001378457.1 (MANE Select); coding-DNA position 7190, G replaced by C.
Protein change: p.Arg2397Pro; replaces arginine 2397 with proline.
Molecular consequence: missense variant. On other transcripts: non-coding transcript variant (2).
Genome position (GRCh38, 1-based): chr15:51,474,367, C>G on the plus strand (G>C on the coding strand, the complement: DMXL2 is on the minus strand). VCF-style: chr15-51474367-C-G. GRCh37 (hg19) VCF-style: chr15-51766564-C-G.
Other names: c.7190G>C, p.Arg2397Pro (NM_001174116.3, NM_001378459.1, NM_001378461.1 and 1 more transcripts); c.5279G>C, p.Arg1760Pro (NM_001174117.3); c.7187G>C, p.Arg2396Pro (NM_001378458.1, NM_001378462.1, NM_015263.5); c.5168G>C, p.Arg1723Pro (NM_001378460.1); c.6947G>C, p.Arg2316Pro (NM_001378464.1); c.7190G>C (NM_001174116.1); short protein forms R1723P, R2316P, R2396P, R1760P, R2397P.
Identifiers: ClinVar variation 2176919 (VCV002176919.4), dbSNP rs202019976, ClinGen allele CA7561410.